The following is an entry in ClinVar:

NM_007194.4(CHEK2):c.200C>A (p.Ser67Tyr)

Gene: CHEK2 (checkpoint kinase 2; minus strand). Cytogenetic location: 22q12.1.
Variant type: single nucleotide variant.
Coding change: c.200C>A on transcript NM_007194.4 (MANE Select); coding-DNA position 200, C replaced by A.
Protein change: p.Ser67Tyr; replaces serine 67 with tyrosine.
Molecular consequence: missense variant.
Genome position (GRCh38, 1-based): chr22:28,734,522, G>T on the plus strand (C>A on the coding strand, the complement: CHEK2 is on the minus strand). VCF-style: chr22-28734522-G-T. GRCh37 (hg19) VCF-style: chr22-29130510-G-T.
Other names: c.200C>A, p.Ser67Tyr (NM_001005735.3, NM_001349956.3, NM_145862.3); c.-578C>A (NM_001257387.3); short protein forms S67Y.
Identifiers: ClinVar variation 279765 (VCV000279765.22), dbSNP rs886041171, ClinGen allele CA10603389.

ClinVar aggregate classification (germline): Uncertain significance. Review status: criteria provided, multiple submitters, no conflicts (2 of 4 stars). 7 submissions from 7 submitters: Uncertain significance (7). Last evaluated 2025-10-06.

Conditions:
Familial cancer of breast. Also called: hereditary breast carcinoma; Hereditary breast cancer; BREAST CANCER, FAMILIAL. Identifiers: Orphanet 227535, MedGen C0346153, MONDO:0016419, OMIM 114480. Disease mechanism: loss of function.
Hereditary cancer-predisposing syndrome. Also called: Hereditary Cancer Syndrome; Tumor predisposition; Neoplastic Syndromes, Hereditary; Hereditary neoplastic syndrome. Identifiers: Orphanet 140162, MedGen C0027672, MeSH D009386, MONDO:0015356.

Allele frequency attached by ClinVar (database versions not stated): gnomAD 0.00001; TOPMed 0.00001.
gnomAD v4.1: 1 of 1,613,810 alleles (0.000062%); highest among the groups gnomAD compares: Admixed American, 0.0017%; no homozygotes.

Submissions (7):

Labcorp Genetics (formerly Invitae), Labcorp
Classification: Uncertain significance for Familial cancer of breast. Last evaluated: 2025-10-06. Review status: criteria provided, single submitter. Criteria: Invitae Variant Classification Sherloc (09022015). Collection method: clinical testing. Allele origin: germline.
Comment: This sequence change replaces serine, which is neutral and polar, with tyrosine, which is neutral and polar, at codon 67 of the CHEK2 protein (p.Ser67Tyr). This variant is present in population databases (no rsID available, gnomAD 0.1%). This variant has not been reported in the literature in individuals affected with CHEK2-related conditions. ClinVar contains an entry for this variant (Variation ID: 279765). An algorithm developed to predict the effect of missense changes on protein structure and function (PolyPhen-2) suggests that this variant is likely to be disruptive. In summary, the available evidence is currently insufficient to determine the role of this variant in disease. Therefore, it has been classified as a Variant of Uncertain Significance.

Quest Diagnostics Nichols Institute San Juan Capistrano
Classification: Uncertain significance. Last evaluated: 2025-05-01. Review status: criteria provided, single submitter. Criteria: Quest Diagnostics criteria. Collection method: clinical testing. Allele origin: unknown.
Comment: The CHEK2 c.200C>A (p.Ser67Tyr) variant has not been reported in individuals with CHEK2-related conditions in the published literature. The frequency of this variant in the general population (Genome Aggregation Database) is uninformative in the assessment of its pathogenicity. Analysis of this variant using bioinformatics tools for the prediction of the effect of amino acid changes on protein structure and function yielded conflicting predictions that this variant is benign or damaging. Based on the available information, we are unable to determine the clinical significance of this variant.

Ambry Genetics
Classification: Uncertain significance for Hereditary cancer-predisposing syndrome. Last evaluated: 2025-04-07. Review status: criteria provided, single submitter. Criteria: Ambry Variant Classification Scheme 2023. Collection method: clinical testing. Allele origin: germline.
Comment: The p.S67Y variant (also known as c.200C>A), located in coding exon 1 of the CHEK2 gene, results from a C to A substitution at nucleotide position 200. The serine at codon 67 is replaced by tyrosine, an amino acid with dissimilar properties. This amino acid position is well conserved in available vertebrate species. In addition, the in silico prediction for this alteration is inconclusive. Based on the available evidence, the clinical significance of this variant remains unclear.

Sema4
Classification: Uncertain significance for Hereditary cancer-predisposing syndrome. Last evaluated: 2022-01-04. Review status: criteria provided, single submitter. Criteria: Sema4 Curation Guidelines. Collection method: curation. Allele origin: germline.
Comment: The CHEK2 c.200C>A (p.S67Y) variant has not been reported in the literature to our knowledge. This variant has been reported in 1/846 chromosomes in the Latino subpopulation in the large and broad cohorts of the Genome Aggregation Database (PMID: 32461654). This variant has been reported in ClinVar (Variation ID: 279765). Functional studies have not been performed, and in silico predictions of the variant's effect on protein function are inconclusive. The evidence is insufficient to meet ACMG/AMP criteria for classifying the variant as benign or pathogenic. Thus, the clinical significance of this variant is currently uncertain.

Baylor Genetics
Classification: Uncertain significance for Familial cancer of breast. Last evaluated: 2021-09-23. Review status: criteria provided, single submitter. Criteria: ACMG Guidelines, 2015. Collection method: clinical testing. Allele origin: unknown.

GeneDx
Classification: Uncertain significance. Last evaluated: 2019-05-22. Review status: criteria provided, single submitter. Criteria: GeneDx Variant Classification Process June 2021. Collection method: clinical testing. Allele origin: germline. Affected: yes.
Comment: Not observed at a significant frequency in large population cohorts (Lek et al., 2016); In silico analysis, which includes protein predictors and evolutionary conservation, supports a deleterious effect; Has not been previously published as pathogenic or benign to our knowledge

Women's Health and Genetics/Laboratory Corporation of America, LabCorp
Classification: Uncertain significance. Last evaluated: 2018-12-20. Review status: criteria provided, single submitter. Criteria: LabCorp Variant Classification Summary - May 2015. Collection method: clinical testing. Allele origin: germline.
Comment: Variant summary: CHEK2 c.200C>A (p.Ser67Tyr) results in a non-conservative amino acid change in the encoded protein sequence. Five of five in-silico tools predict a damaging effect of the variant on protein function. The variant allele was found at a frequency of 3.2e-05 in 30918 control chromosomes (gnomAD). The available data on variant occurrences in the general population are insufficient to allow any conclusion about variant significance. To our knowledge, no occurrence of c.200C>A in individuals affected with Hereditary Breast and Ovarian Cancer and no experimental evidence demonstrating its impact on protein function have been reported. Two ClinVar submissions from clinical diagnostic laboratories (evaluation after 2014) cite the variant as uncertain significance. Based on the evidence outlined above, the variant was classified as uncertain significance.